The following is an entry in ClinVar:

NM_015046.7(SETX):c.7834A>G (p.Ser2612Gly)

Gene: SETX (senataxin; minus strand). Cytogenetic location: 9q34.13.
Variant type: single nucleotide variant.
Coding change: c.7834A>G on transcript NM_015046.7 (MANE Select); coding-DNA position 7834, A replaced by G.
Protein change: p.Ser2612Gly; replaces serine 2612 with glycine.
Molecular consequence: missense variant.
Genome position (GRCh38, 1-based): chr9:132,264,439, T>C on the plus strand (A>G on the coding strand, the complement: SETX is on the minus strand). VCF-style: chr9-132264439-T-C. GRCh37 (hg19) VCF-style: chr9-135139826-T-C.
Other names: c.7834A>G, p.Ser2612Gly (NM_001351527.2); c.7921A>G, p.Ser2641Gly (NM_001351528.2); short protein forms S2612G, S2641G.
Identifiers: ClinVar variation 195975 (VCV000195975.32), dbSNP rs3739927, ClinGen allele CA202060.
Genomic context (GRCh38, chr9:132,264,439, plus strand): 5'-TGTGACAGAGCTCCTCTTCCGGGTCATCACATTTGCTCTGACACGTGGAAGCCTCGGGAC[T>C]GGCAGCTGGAGGTTCGCCCCGCACGGGAGGTTTGTGGCTGCTCAGAGCAGCCACTACAGC-3'
Protein context (NP_055861.3, residues 2602-2622): PPVRGEPPAA[Ser2612Gly]PEASTCQSKC

ClinVar aggregate classification (germline): Benign. Review status: criteria provided, multiple submitters, no conflicts (2 of 4 stars). 17 submissions from 15 submitters: Benign (12). 5 of the submissions do not count toward it. Last evaluated 2026-02-04.

Conditions:
Amyotrophic lateral sclerosis type 4 (ALS4). Also called: AMYOTROPHIC LATERAL SCLEROSIS 4, JUVENILE; NEURONOPATHY, DISTAL HEREDITARY MOTOR, WITH PYRAMIDAL FEATURES. Identifiers: Orphanet 357043, MedGen C1865409, MONDO:0011223, OMIM 602433.
Spinocerebellar ataxia, autosomal recessive, with axonal neuropathy 2 (SCAN2). Also called: ATAXIA-OCULOMOTOR APRAXIA 2; Ataxia with Oculomotor Apraxia Type 2; Ataxia-ocular apraxia-2; Ataxia with Oculomotor Apraxia. Identifiers: Orphanet 64753, MedGen C1853761, MONDO:0018996, OMIM 606002.

Allele frequency attached by ClinVar (database versions not stated): gnomAD exomes 0.04784 and 0.08537; ESP Exome Variant Server 0.07297; gnomAD 0.08329 and 0.08762; ExAC 0.08523; TOPMed 0.09504; 1000 Genomes Project 30x 0.15928; 1000 Genomes Project 0.16354.
gnomAD v4.1: 84,470 of 1,609,902 alleles (5.2%); highest among the groups gnomAD compares: East Asian, 39%; 6,176 homozygotes.

Submissions (17):

Labcorp Genetics (formerly Invitae), Labcorp
Classification: Benign for Amyotrophic lateral sclerosis type 4; Spinocerebellar ataxia, autosomal recessive, with axonal neuropathy 2. Last evaluated: 2026-02-04. Review status: criteria provided, single submitter. Criteria: Invitae Variant Classification Sherloc (09022015). Collection method: clinical testing. Allele origin: germline.

Blueprint Genetics
Classification: Benign. Last evaluated: 2024-11-27. Review status: criteria provided, single submitter. Criteria: ACMG Guidelines, 2015. Collection method: clinical testing. Allele origin: germline.

Genome-Nilou Lab
Classification: Benign for Spinocerebellar ataxia, autosomal recessive, with axonal neuropathy 2. Last evaluated: 2023-02-08. Review status: criteria provided, single submitter. Criteria: ACMG Guidelines, 2015. Collection method: clinical testing. Allele origin: germline.

Genome-Nilou Lab
Classification: Benign for Amyotrophic lateral sclerosis type 4. Last evaluated: 2023-02-08. Review status: criteria provided, single submitter. Criteria: ACMG Guidelines, 2015. Collection method: clinical testing. Allele origin: germline.

GeneDx
Classification: Benign. Last evaluated: 2018-08-20. Review status: criteria provided, single submitter. Criteria: GeneDx Variant Classification Process June 2021. Collection method: clinical testing. Allele origin: germline. Affected: yes.

Illumina Laboratory Services, Illumina
Classification: Benign for Amyotrophic lateral sclerosis type 4. Last evaluated: 2018-01-12. Review status: criteria provided, single submitter. Criteria: ICSL Variant Classification Criteria 13 December 2019. Collection method: clinical testing. Allele origin: germline.
Comment: This variant was observed in the ICSL laboratory as part of a predisposition screen in an ostensibly healthy population. It had not been previously curated by ICSL or reported in the Human Gene Mutation Database (HGMD: prior to June 1st, 2018), and was therefore a candidate for classification through an automated scoring system. Utilizing variant allele frequency, disease prevalence and penetrance estimates, and inheritance mode, an automated score was calculated to assess if this variant is too frequent to cause the disease. Based on the score and internal cut-off values, a variant classified as benign is not then subjected to further curation. The score for this variant resulted in a classification of benign for this disease.

Illumina Laboratory Services, Illumina
Classification: Benign for Spinocerebellar ataxia, autosomal recessive, with axonal neuropathy 2. Last evaluated: 2018-01-12. Review status: criteria provided, single submitter. Criteria: ICSL Variant Classification Criteria 13 December 2019. Collection method: clinical testing. Allele origin: germline.
Comment: the same text as in the submission from Illumina Laboratory Services, Illumina above.

Athena Diagnostics
Classification: Benign. Last evaluated: 2017-04-12. Review status: criteria provided, single submitter. Criteria: Athena Diagnostics Criteria. Collection method: clinical testing. Allele origin: germline.

Mayo Clinic Laboratories, Mayo Clinic
Classification: Benign. Last evaluated: 2015-09-10. Review status: criteria provided, single submitter. Criteria: ACMG Guidelines, 2015. Collection method: clinical testing. Allele origin: germline. Observed: 223 variant alleles.

Eurofins Ntd Llc (ga)
Classification: Benign. Last evaluated: 2014-12-17. Review status: criteria provided, single submitter. Criteria: EGL Classification Definitions 2015. Collection method: clinical testing. Allele origin: germline. Observed: 1 variant allele, 1 heterozygote.

Breakthrough Genomics
Classification: Benign. Review status: criteria provided, single submitter. Criteria: ACMG Guidelines, 2015. Collection method: not provided. Allele origin: germline. Inheritance: Autosomal recessive inheritance. Affected: yes.

PreventionGenetics, part of Exact Sciences
Classification: Benign. Review status: criteria provided, single submitter. Criteria: ACMG Guidelines, 2015. Collection method: clinical testing. Allele origin: germline.

Clinical Genetics DNA and cytogenetics Diagnostics Lab, Erasmus MC, Erasmus Medical Center
Classification: Benign. Review status: no assertion criteria provided. Collection method: clinical testing. Allele origin: germline. Affected: yes. Study: VKGL Data-share Consensus. Not counted in ClinVar's aggregate classification.

Clinical Genetics, Academic Medical Center
Classification: Benign. Review status: no assertion criteria provided. Collection method: clinical testing. Allele origin: germline. Affected: yes. Study: VKGL Data-share Consensus. Not counted in ClinVar's aggregate classification.

Genome Diagnostics Laboratory, Amsterdam University Medical Center
Classification: Benign. Review status: no assertion criteria provided. Collection method: clinical testing. Allele origin: germline. Affected: yes. Study: VKGL Data-share Consensus. Not counted in ClinVar's aggregate classification.

Genome Diagnostics Laboratory, University Medical Center Utrecht
Classification: Benign. Review status: no assertion criteria provided. Collection method: clinical testing. Allele origin: germline. Affected: yes. Study: VKGL Data-share Consensus. Not counted in ClinVar's aggregate classification.

Joint Genome Diagnostic Labs from Nijmegen and Maastricht, Radboudumc and MUMC+
Classification: Benign. Review status: no assertion criteria provided. Collection method: clinical testing. Allele origin: germline. Affected: yes. Study: VKGL Data-share Consensus. Not counted in ClinVar's aggregate classification.